The following is an entry in ClinVar:

ClinVar aggregate classification (germline): Pathogenic (1 of 4 stars; one submission).

Conditions:
Neurofibromatosis, type 1 (NF1). Also called: Neurofibromatosis, type I; NEUROFIBROMATOSIS, TYPE I, SOMATIC; Peripheral type neurofibromatosis; VON RECKLINGHAUSEN DISEASE. Identifiers: Orphanet 636, MedGen C0027831, MONDO:0018975, OMIM 162200. Disease mechanism: loss of function.

Submission:

Labcorp Genetics (formerly Invitae), Labcorp
Classification: Pathogenic for Neurofibromatosis, type 1. Last evaluated: 2023-05-19. Review status: criteria provided, single submitter. Criteria: Invitae Variant Classification Sherloc (09022015). Collection method: clinical testing. Allele origin: germline.
Comment: This variant is not present in population databases (gnomAD no frequency). This sequence change creates a premature translational stop signal (p.Lys2643Argfs*15) in the NF1 gene. It is expected to result in an absent or disrupted protein product. Loss-of-function variants in NF1 are known to be pathogenic (PMID: 10712197, 23913538). This variant has not been reported in the literature in individuals affected with NF1-related conditions. For these reasons, this variant has been classified as Pathogenic.

Literature cited by the submitters: PubMed 10712197; PubMed 23913538.

NM_001042492.3(NF1):c.7991del (p.Lys2664fs)

Gene: NF1 (neurofibromin 1; plus strand). Cytogenetic location: 17q11.2.
Variant type: Deletion.
Coding change: c.7991del on transcript NM_001042492.3 (MANE Select); coding-DNA position 7991, one base deleted (A; older notation c.7991delA).
Protein change: p.Lys2664fs; shifts the reading frame from lysine 2664.
Molecular consequence: frameshift variant.
Genome position (GRCh38, 1-based): chr17:31,358,500, A deleted; the last of 2 consecutive A bases (chr17:31,358,499-31,358,500); deleting either gives the same sequence. VCF-style (leftmost placement, unchanged base first): chr17-31358498-TA-T. GRCh37 (hg19) VCF-style: chr17-29685516-TA-T.
Other names: c.7928delA, p.Lys2643Argfs (NM_000267.4); short protein forms K2664fs, K2643fs.
Identifiers: ClinVar variation 2865538 (VCV002865538.3), dbSNP rs2508834805, ClinGen allele CA2739267303.